The following is an entry in ClinVar:

ClinVar aggregate classification (germline): Uncertain significance (1 of 4 stars; one submission).

Conditions:
Myopathy, proximal, and ophthalmoplegia (CMYO6). Also called: MYOPATHY WITH CONGENITAL JOINT CONTRACTURES, OPHTHALMOPLEGIA, AND RIMMED VACUOLES; INCLUSION BODY MYOPATHY 3, AUTOSOMAL DOMINANT; CONGENITAL MYOPATHY 6 WITH OPHTHALMOPLEGIA. Identifiers: Orphanet 363677, Orphanet 79091, MedGen C1854106, MONDO:0011577, OMIM 605637.

gnomAD v4.1: 24 of 1,614,240 alleles (0.0015%); highest among the groups gnomAD compares: Non-Finnish European, 0.002%; no homozygotes.

Submission:

Labcorp Genetics (formerly Invitae), Labcorp
Classification: Uncertain significance for Myopathy, proximal, and ophthalmoplegia. Last evaluated: 2024-04-22. Review status: criteria provided, single submitter. Criteria: Invitae Variant Classification Sherloc (09022015). Collection method: clinical testing. Allele origin: germline.
Comment: This sequence change replaces glutamic acid, which is acidic and polar, with lysine, which is basic and polar, at codon 1773 of the MYH2 protein (p.Glu1773Lys). This variant is present in population databases (no rsID available, gnomAD 0.007%). This variant has not been reported in the literature in individuals affected with MYH2-related conditions. Advanced modeling of protein sequence and biophysical properties (such as structural, functional, and spatial information, amino acid conservation, physicochemical variation, residue mobility, and thermodynamic stability) performed at Invitae indicates that this missense variant is not expected to disrupt MYH2 protein function with a negative predictive value of 80%. In summary, the available evidence is currently insufficient to determine the role of this variant in disease. Therefore, it has been classified as a Variant of Uncertain Significance.

NM_017534.6(MYH2):c.5317G>A (p.Glu1773Lys)

Genes: MYHAS (myosin heavy chain gene cluster antisense RNA; plus strand), MYH2 (myosin heavy chain 2; minus strand). Cytogenetic location: 17p13.1.
Variant type: single nucleotide variant.
Coding change: c.5317G>A on transcript NM_017534.6 (MANE Select); coding-DNA position 5317, G replaced by A.
Protein change: p.Glu1773Lys; replaces glutamic acid 1773 with lysine.
Molecular consequence: missense variant.
Genome position (GRCh38, 1-based): chr17:10,523,651, C>T on the plus strand (G>A on the coding strand, the complement: MYH2 is on the minus strand). VCF-style: chr17-10523651-C-T. GRCh37 (hg19) VCF-style: chr17-10426968-C-T.
Other names: c.5317G>A, p.Glu1773Lys (NM_001100112.2); short protein forms E1773K.
Identifiers: ClinVar variation 3683337 (VCV003683337.2).
Genomic context (GRCh38, chr17:10,523,651, plus strand): 5'-CCATGTTCTTCTTCATCCGCTCCAGGTGGGCGCTGGTGTCCTGCTCCTTCTTCAGCTCCT[C>T]AGCCATCATGGCGGCCTAAATAGCAAATAAATCAAGAAAACCAAGAAAGTTATAGATGTC-3'
Protein context (NP_060004.3, residues 1763-1783): KAITDAAMMA[Glu1773Lys]ELKKEQDTSA